The following is an entry in ClinVar:

NM_138694.4(PKHD1):c.9533G>T (p.Gly3178Val)

Gene: PKHD1 (PKHD1 ciliary IPT domain containing fibrocystin/polyductin; minus strand). Cytogenetic location: 6p12.3.
Variant type: single nucleotide variant.
Coding change: c.9533G>T on transcript NM_138694.4 (MANE Select); coding-DNA position 9533, G replaced by T.
Protein change: p.Gly3178Val; replaces glycine 3178 with valine.
Molecular consequence: missense variant.
Genome position (GRCh38, 1-based): chr6:51,748,083, C>A on the plus strand (G>T on the coding strand, the complement: PKHD1 is on the minus strand). VCF-style: chr6-51748083-C-A. GRCh37 (hg19) VCF-style: chr6-51612881-C-A.
Other names: c.9533G>T, p.Gly3178Val (NM_170724.3); short protein forms G3178V.
Identifiers: ClinVar variation 3336522 (VCV003336522.3).

ClinVar aggregate classification (germline): Likely pathogenic. Review status: criteria provided, multiple submitters, no conflicts (2 of 4 stars). 2 submissions from 2 submitters: Likely pathogenic (2). Last evaluated 2025-07-11.

Conditions:
Polycystic kidney disease 4 (PKD4). Also called: POLYCYSTIC KIDNEY AND HEPATIC DISEASE 1; POLYCYSTIC KIDNEY DISEASE, INFANTILE, TYPE I; Autosomal Recessive Polycystic Kidney Disease – PKHD1; POLYCYSTIC KIDNEY DISEASE 4 WITH OR WITHOUT POLYCYSTIC LIVER DISEASE; PKD3. Identifiers: MedGen C4540575, MONDO:0033004, OMIM 263200.
Autosomal recessive polycystic kidney disease (ARPKD). Also called: AR polycystic kidney disease. Identifiers: Orphanet 731, Orphanet 8378, MedGen C0085548, MeSH D017044, MONDO:0009889.

Submissions (2):

Women's Health and Genetics/Laboratory Corporation of America, LabCorp
Classification: Likely pathogenic for Autosomal recessive polycystic kidney disease. Last evaluated: 2025-07-11. Review status: criteria provided, single submitter. Criteria: LabCorp Variant Classification Summary - May 2015. Collection method: clinical testing. Allele origin: germline.
Comment: Variant summary: PKHD1 c.9533G>T (p.Gly3178Val) results in a non-conservative amino acid change in the encoded protein sequence. Algorithms developed to predict the effect of missense changes on protein structure and function all suggest that this variant is likely to be disruptive. The variant was absent in 250864 control chromosomes (gnomAD). c.9533G>T has been observed in compound heterozygous individuals affected with Polycystic Kidney And Hepatic Disease (Ishiko_2022). These data indicate that the variant may be associated with disease. A different variant affecting the same codon has been classified as likely pathogenic by our lab (c.9532G>T, p.Gly3178Cys), supporting the critical relevance of codon 3178 to PKHD1 protein function. To our knowledge, no experimental evidence demonstrating an impact on protein function has been reported. The following publication have been ascertained in the context of this evaluation (PMID: 34536170). ClinVar contains an entry for this variant (Variation ID: 3336522). Based on the evidence outlined above, the variant was classified as likely pathogenic.

Fulgent Genetics
Classification: Likely pathogenic for Polycystic kidney disease 4. Last evaluated: 2024-05-18. Review status: criteria provided, single submitter. Criteria: ACMG Guidelines, 2015. Collection method: clinical testing. Allele origin: germline.

Literature cited by the submitters: PubMed 34536170 (cited by Women's Health and Genetics/Laboratory Corporation of America, LabCorp).